The following is an entry in ClinVar:

NM_001377.3(DYNC2H1):c.5390G>T (p.Gly1797Val)

Gene: DYNC2H1 (dynein cytoplasmic 2 heavy chain 1; plus strand). Cytogenetic location: 11q22.3.
Variant type: single nucleotide variant.
Coding change: c.5390G>T on transcript NM_001377.3 (MANE Select); coding-DNA position 5390, G replaced by T.
Protein change: p.Gly1797Val; replaces glycine 1797 with valine.
Molecular consequence: missense variant.
Genome position (GRCh38, 1-based): chr11:103,173,137, G>T. VCF-style: chr11-103173137-G-T. GRCh37 (hg19) VCF-style: chr11-103043866-G-T.
Other names: c.5390G>T, p.Gly1797Val (NM_001080463.2); short protein forms G1797V.
Identifiers: ClinVar variation 2190255 (VCV002190255.3), dbSNP rs1217144483, ClinGen allele CA382242692.

ClinVar aggregate classification (germline): Uncertain significance (1 of 4 stars; one submission).

Conditions:
Jeune thoracic dystrophy. Also called: Jeune syndrome; Infantile thoracic dystrophy; Thoracic pelvic phalangeal dystrophy; Jeune's syndrome; Chondroectodermal dysplasia-like syndrome; Short-rib thoracic dysplasia. Identifiers: Orphanet 474, MedGen C0265275, MONDO:0018770.

Allele frequency attached by ClinVar (database versions not stated): gnomAD exomes below 0.00001; gnomAD 0.00001.
gnomAD v4.1: 2 of 1,541,518 alleles (0.00013%); highest among the groups gnomAD compares: Non-Finnish European, 0.00017%; no homozygotes.

Submission:

Labcorp Genetics (formerly Invitae), Labcorp
Classification: Uncertain significance for Jeune thoracic dystrophy. Last evaluated: 2024-05-06. Review status: criteria provided, single submitter. Criteria: Invitae Variant Classification Sherloc (09022015). Collection method: clinical testing. Allele origin: germline.
Comment: This sequence change replaces glycine, which is neutral and non-polar, with valine, which is neutral and non-polar, at codon 1797 of the DYNC2H1 protein (p.Gly1797Val). This variant is not present in population databases (gnomAD no frequency). This variant has not been reported in the literature in individuals affected with DYNC2H1-related conditions. ClinVar contains an entry for this variant (Variation ID: 2190255). Advanced modeling of protein sequence and biophysical properties (such as structural, functional, and spatial information, amino acid conservation, physicochemical variation, residue mobility, and thermodynamic stability) performed at Invitae indicates that this missense variant is expected to disrupt DYNC2H1 protein function with a positive predictive value of 95%. In summary, the available evidence is currently insufficient to determine the role of this variant in disease. Therefore, it has been classified as a Variant of Uncertain Significance.